The following is an entry in ClinVar:

ClinVar aggregate classification (germline): Uncertain significance (1 of 4 stars; one submission).

gnomAD v4.1: 2 of 1,553,360 alleles (0.00013%); highest among the groups gnomAD compares: Admixed American, 0.0019%; no homozygotes.

Submission:

Labcorp Genetics (formerly Invitae), Labcorp
Classification: Uncertain significance. Last evaluated: 2025-08-15. Review status: criteria provided, single submitter. Criteria: Invitae Variant Classification Sherloc (09022015). Collection method: clinical testing. Allele origin: germline.
Comment: This sequence change replaces arginine, which is basic and polar, with proline, which is neutral and non-polar, at codon 478 of the FSCN2 protein (p.Arg478Pro). This variant is not present in population databases (gnomAD no frequency). This variant has not been reported in the literature in individuals affected with FSCN2-related conditions. An algorithm developed to predict the effect of missense changes on protein structure and function (PolyPhen-2) suggests that this variant is likely to be tolerated. In summary, the available evidence is currently insufficient to determine the role of this variant in disease. Therefore, it has been classified as a Variant of Uncertain Significance.

NM_012418.4(FSCN2):c.1361G>C (p.Arg454Pro)

Gene: FSCN2 (fascin actin-bundling protein 2, retinal; plus strand). Cytogenetic location: 17q25.3.
Variant type: single nucleotide variant.
Coding change: c.1361G>C on transcript NM_012418.4 (MANE Select); coding-DNA position 1361, G replaced by C.
Protein change: p.Arg454Pro; replaces arginine 454 with proline.
Molecular consequence: missense variant.
Genome position (GRCh38, 1-based): chr17:81,536,962, G>C. VCF-style: chr17-81536962-G-C. GRCh37 (hg19) VCF-style: chr17-79503988-G-C.
Other names: c.1433G>C, p.Arg478Pro (NM_001077182.3); short protein forms R478P, R454P.
Identifiers: ClinVar variation 4725289 (VCV004725289.1).